The following is an entry in ClinVar:

NM_001127511.3(APC):c.114G>C (p.Thr38=)

Gene: APC (APC regulator of Wnt signaling pathway; plus strand). Cytogenetic location: 5q22.2.
Variant type: single nucleotide variant.
Coding change: c.114G>C on transcript NM_001127511.3; coding-DNA position 114, G replaced by C.
Protein change: p.Thr38=; no amino-acid change (threonine 38 retained).
Molecular consequence: synonymous variant. On other transcripts: 5 prime UTR variant (8), non-coding transcript variant (1), intron variant (5).
Genome position (GRCh38, 1-based): chr5:112,707,831, G>C. VCF-style: chr5-112707831-G-C. GRCh37 (hg19) VCF-style: chr5-112043528-G-C.
Other names: c.-1105G>C (NM_001407470.1, NM_001407472.1); c.-19+182G>C (NM_001407448.1, NM_001407450.1, NM_001407457.1 and 1 more transcripts); c.-43+182G>C (NM_001407453.1); c.-70G>C (NM_001354895.2, NM_001407447.1, NM_001407452.1 and 3 more transcripts); c.114G>C, p.Thr38= (NM_001354897.2, NM_001354902.2, NM_001407446.1).
Identifiers: ClinVar variation 1001779 (VCV001001779.9), dbSNP rs761467156, ClinGen allele CA1573442761.

ClinVar aggregate classification (germline): Uncertain significance (1 of 4 stars; one submission).

Conditions:
Familial adenomatous polyposis 1 (FAP1). Also called: FAMILIAL ADENOMATOUS POLYPOSIS 1, ATTENUATED; POLYPOSIS, ADENOMATOUS INTESTINAL. Identifiers: MedGen C2713442, MONDO:0021056, OMIM 175100. Disease mechanism: loss of function.

gnomAD v4.1: 1 of 1,370,544 alleles (0.000073%); highest among the groups gnomAD compares: Non-Finnish European, 0.000096%; no homozygotes.

Submission:

Labcorp Genetics (formerly Invitae), Labcorp
Classification: Uncertain significance for Familial adenomatous polyposis 1. Last evaluated: 2025-08-20. Review status: criteria provided, single submitter. Criteria: Invitae Variant Classification Sherloc (09022015). Collection method: clinical testing. Allele origin: germline.
Comment: This variant occurs in a non-coding region of the APC gene. It does not change the encoded amino acid sequence of the APC protein. This variant is not present in population databases (gnomAD no frequency). This variant has not been reported in the literature in individuals affected with APC-related conditions. Experimental studies and prediction algorithms are not available or were not evaluated, and the functional significance of this variant is currently unknown. In summary, the available evidence is currently insufficient to determine the role of this variant in disease. Therefore, it has been classified as a Variant of Uncertain Significance.